The following is an entry in ClinVar:

NM_001166108.2(PALLD):c.1940C>A (p.Pro647Gln)

Gene: PALLD (palladin, cytoskeletal associated protein; plus strand). Cytogenetic location: 4q32.3.
Variant type: single nucleotide variant.
Coding change: c.1940C>A on transcript NM_001166108.2 (MANE Select); coding-DNA position 1940, C replaced by A.
Protein change: p.Pro647Gln; replaces proline 647 with glutamine.
Molecular consequence: missense variant.
Genome position (GRCh38, 1-based): chr4:168,711,899, C>A. VCF-style: chr4-168711899-C-A. GRCh37 (hg19) VCF-style: chr4-169633050-C-A.
Other names: c.794C>A, p.Pro265Gln (NM_001166109.2); c.1940C>A, p.Pro647Gln (NM_016081.4); short protein forms P265Q, P647Q.
Identifiers: ClinVar variation 2563421 (VCV002563421.2), dbSNP rs2531857746, ClinGen allele CA358798848.

ClinVar aggregate classification (germline): Uncertain significance (1 of 4 stars; one submission).

Submission:

Ambry Genetics
Classification: Uncertain significance. Last evaluated: 2023-05-19. Review status: criteria provided, single submitter. Criteria: Ambry Variant Classification Scheme 2023. Collection method: clinical testing. Allele origin: germline.
Comment: The p.P647Q variant (also known as c.1940C>A), located in coding exon 9 of the PALLD gene, results from a C to A substitution at nucleotide position 1940. The proline at codon 647 is replaced by glutamine, an amino acid with similar properties. This amino acid position is conserved. In addition, the in silico prediction for this alteration is inconclusive. Since supporting evidence is limited at this time, the clinical significance of this alteration remains unclear.